The following is an entry in ClinVar:

NM_144670.6(A2ML1):c.3755C>T (p.Ala1252Val)

Gene: A2ML1 (alpha-2-macroglobulin like 1; plus strand). Cytogenetic location: 12p13.31.
Variant type: single nucleotide variant.
Coding change: c.3755C>T on transcript NM_144670.6 (MANE Select); coding-DNA position 3755, C replaced by T.
Protein change: p.Ala1252Val; replaces alanine 1252 with valine.
Molecular consequence: missense variant.
Genome position (GRCh38, 1-based): chr12:8,867,879, C>T. VCF-style: chr12-8867879-C-T. GRCh37 (hg19) VCF-style: chr12-9020475-C-T.
Other names: c.2282C>T, p.Ala761Val (NM_001282424.3); short protein forms A1252V, A761V.
Identifiers: ClinVar variation 2138909 (VCV002138909.4), dbSNP rs2539307423, ClinGen allele CA383843956.
Genomic context (GRCh38, chr12:8,867,879, plus strand): 5'-ATACGTTTGGTTGTTTCCCTCAGGATACTGTAGTTGCTCTCCAAGCTCTTGCCAAATATG[C>T]CACTACCGCCTACATGCCATCTGAGGAGATCAACCTGGTTGTAAAATCCACTGAGAATTT-3'
Protein context (NP_653271.3, residues 1242-1262): VVALQALAKY[Ala1252Val]TTAYMPSEEI

ClinVar aggregate classification (germline): Uncertain significance (1 of 4 stars; one submission).

Submission:

Labcorp Genetics (formerly Invitae), Labcorp
Classification: Uncertain significance. Last evaluated: 2022-02-21. Review status: criteria provided, single submitter. Criteria: Invitae Variant Classification Sherloc (09022015). Collection method: clinical testing. Allele origin: germline.
Comment: This sequence change replaces alanine, which is neutral and non-polar, with valine, which is neutral and non-polar, at codon 1252 of the A2ML1 protein (p.Ala1252Val). This variant is not present in population databases (gnomAD no frequency). This variant has not been reported in the literature in individuals affected with A2ML1-related conditions. Algorithms developed to predict the effect of missense changes on protein structure and function are either unavailable or do not agree on the potential impact of this missense change (SIFT: "Deleterious"; PolyPhen-2: "Probably Damaging"; Align-GVGD: "Class C0"). In summary, the available evidence is currently insufficient to determine the role of this variant in disease. Therefore, it has been classified as a Variant of Uncertain Significance.